The following is an entry in ClinVar:

NM_006939.4(SOS2):c.2522A>G (p.Glu841Gly)

Gene: SOS2 (SOS Ras/Rho guanine nucleotide exchange factor 2; minus strand). Cytogenetic location: 14q21.3.
Variant type: single nucleotide variant.
Coding change: c.2522A>G on transcript NM_006939.4 (MANE Select); coding-DNA position 2522, A replaced by G.
Protein change: p.Glu841Gly; replaces glutamic acid 841 with glycine.
Molecular consequence: missense variant.
Genome position (GRCh38, 1-based): chr14:50,145,315, T>C on the plus strand (A>G on the coding strand, the complement: SOS2 is on the minus strand). VCF-style: chr14-50145315-T-C. GRCh37 (hg19) VCF-style: chr14-50612033-T-C.
Other names: c.2423A>G, p.Glu808Gly (NM_001411020.1); c.2522A>G (NM_006939.2); short protein forms E808G, E841G.
Identifiers: ClinVar variation 2628838 (VCV002628838.4), dbSNP rs2502915476, ClinGen allele CA389643201.

ClinVar aggregate classification (germline): Uncertain significance. Review status: criteria provided, multiple submitters, no conflicts (2 of 4 stars). 3 submissions from 3 submitters: Uncertain significance (3). Last evaluated 2025-01-29.

Conditions:
SOS2-related disorder. Also called: SOS2-related condition.
Cardiovascular phenotype. Identifiers: MedGen CN230736.
Noonan syndrome 9 (NS9). Identifiers: Orphanet 648, MedGen C4225282, MONDO:0014691, OMIM 616559.

Submissions (3):

Labcorp Genetics (formerly Invitae), Labcorp
Classification: Uncertain significance for Noonan syndrome 9. Last evaluated: 2025-01-29. Review status: criteria provided, single submitter. Criteria: Invitae Variant Classification Sherloc (09022015). Collection method: clinical testing. Allele origin: germline.
Comment: This sequence change replaces glutamic acid, which is acidic and polar, with glycine, which is neutral and non-polar, at codon 841 of the SOS2 protein (p.Glu841Gly). This variant is not present in population databases (gnomAD no frequency). This variant has not been reported in the literature in individuals affected with SOS2-related conditions. ClinVar contains an entry for this variant (Variation ID: 2628838). Invitae Evidence Modeling of protein sequence and biophysical properties (such as structural, functional, and spatial information, amino acid conservation, physicochemical variation, residue mobility, and thermodynamic stability) indicates that this missense variant is not expected to disrupt SOS2 protein function with a negative predictive value of 95%. In summary, the available evidence is currently insufficient to determine the role of this variant in disease. Therefore, it has been classified as a Variant of Uncertain Significance.

Ambry Genetics
Classification: Uncertain significance for Cardiovascular phenotype. Last evaluated: 2024-09-17. Review status: criteria provided, single submitter. Criteria: Ambry Variant Classification Scheme 2023. Collection method: clinical testing. Allele origin: germline.
Comment: The p.E841G variant (also known as c.2522A>G), located in coding exon 16 of the SOS2 gene, results from an A to G substitution at nucleotide position 2522. The glutamic acid at codon 841 is replaced by glycine, an amino acid with similar properties. This amino acid position is conserved. In addition, this alteration is predicted to be tolerated by in silico analysis. Based on the available evidence, the clinical significance of this variant remains unclear.

PreventionGenetics, part of Exact Sciences
Classification: Uncertain significance for SOS2-related condition. Last evaluated: 2023-05-26. Review status: criteria provided, single submitter. Criteria: ACMG Guidelines, 2015. Collection method: clinical testing. Allele origin: germline.
Comment: The SOS2 c.2522A>G variant is predicted to result in the amino acid substitution p.Glu841Gly. To our knowledge, this variant has not been reported in the literature or in a large population database, indicating this variant is rare. At this time, the clinical significance of this variant is uncertain due to the absence of conclusive functional and genetic evidence.